The following is an entry in ClinVar:

ClinVar aggregate classification (germline): Uncertain significance. Review status: reviewed by expert panel (3 of 4 stars). 9 submissions from 9 submitters: Uncertain significance (1). 8 of the submissions do not count toward it. Last evaluated 2025-11-14.

Conditions:
Cardiovascular phenotype. Identifiers: MedGen CN230736.
Hypertrophic cardiomyopathy 4. Also called: Familial hypertrophic cardiomyopathy 4. Identifiers: MedGen C1861862, MONDO:0007268, OMIM 115197.
Hypertrophic cardiomyopathy. Also called: HYPERTROPHIC MYOCARDIOPATHY. Identifiers: Orphanet 217569, MedGen C0007194, MeSH D002312, MONDO:0005045, HP:0001639.

Allele frequency attached by ClinVar (database versions not stated): gnomAD exomes below 0.00001 and 0.00001; gnomAD 0.00001; TOPMed 0.00001.
gnomAD v4.1: 18 of 1,603,490 alleles (0.0011%); highest among the groups gnomAD compares: Non-Finnish European, 0.0015%; no homozygotes.

Submissions (9):

ClinGen Cardiomyopathy Variant Curation Expert Panel
Classification: Uncertain significance for Hypertrophic cardiomyopathy. Last evaluated: 2025-11-14. Review status: reviewed by expert panel. Criteria: ClinGen CMP ACMG Specifications MYBPC3 V1.0.0. Collection method: curation. Allele origin: germline. Inheritance: Autosomal dominant inheritance.
Comment: NM_000256.3(MYBPC3):c.2573G>A (p.Ser858Asn). This variant has been in individuals with HCM (ClinVar Variation ID: 164070) and has also been identified in 2 out of 124800 (0.005% FAF 95% CI) of European chromosomes in gnomAD (v.2.1). This variant is statistically increased in individuals with HCM compared to controls (OR lower 95% CI>5), therefore, the PS4 criterion has been applied at supporting strength (PS4_Supporting) and the PM2_Supporting criterion has not been applied. Computational prediction tools and conservation analyses suggest that this variant may impact the protein (PP3; REVEL score ≥0.70). In summary, due to insufficient evidence, this variant is classified as uncertain significance for hypertrophic cardiomyopathy in an autosomal dominant manner based on PS4_Supporting, and PP3.

Labcorp Genetics (formerly Invitae), Labcorp
Classification: Uncertain significance for Hypertrophic cardiomyopathy. Last evaluated: 2025-12-10. Review status: criteria provided, single submitter. Criteria: Invitae Variant Classification Sherloc (09022015). Collection method: clinical testing. Allele origin: germline. Not counted in ClinVar's aggregate classification.
Comment: This sequence change replaces serine, which is neutral and polar, with asparagine, which is neutral and polar, at codon 858 of the MYBPC3 protein (p.Ser858Asn). The frequency data for this variant in the population databases is considered unreliable, as metrics indicate poor data quality at this position in the gnomAD database. This missense change has been observed in individual(s) with hypertrophic cardiomyopathy (PMID: 20378854, 27532257, 31006259). ClinVar contains an entry for this variant (Variation ID: 164070). An algorithm developed to predict the effect of missense changes on protein structure and function (PolyPhen-2) suggests that this variant is likely to be disruptive. In summary, the available evidence is currently insufficient to determine the role of this variant in disease. Therefore, it has been classified as a Variant of Uncertain Significance.

Ambry Genetics
Classification: Uncertain significance for Cardiovascular phenotype. Last evaluated: 2025-11-06. Review status: criteria provided, single submitter. Criteria: Ambry Variant Classification Scheme 2023. Collection method: clinical testing. Allele origin: germline. Not counted in ClinVar's aggregate classification.
Comment: The p.S858N variant (also known as c.2573G>A), located in coding exon 25 of the MYBPC3 gene, results from a G to A substitution at nucleotide position 2573. The serine at codon 858 is replaced by asparagine, an amino acid with highly similar properties. This alteration has been reported in patients with hypertrophic cardiomyopathy (HCM) and HCM genetic testing cohorts; however, other variants in cardiomyopathy-associated genes were detected in some cases and/or clinical detail was limited (Morita H et al. N. Engl. J. Med. 2008;358:1899-908; Walsh R et al. Genet. Med. 2017;19:192-203; Norrish G et al. Circulation. 2019 Jul;140(3):184-192; Field E et al. J Med Genet. 2022 Aug;59(8):768-775). This amino acid position is highly conserved in available vertebrate species. In addition, the in silico prediction for this alteration is inconclusive. Based on the available evidence, the clinical significance of this variant remains unclear.

CeGaT Center for Human Genetics Tuebingen
Classification: Likely pathogenic. Last evaluated: 2025-07-01. Review status: criteria provided, single submitter. Criteria: CeGaT Center For Human Genetics Tuebingen Variant Classification Criteria Version 2. Collection method: clinical testing. Allele origin: germline. Affected: yes. Observed: 1 variant allele. Not counted in ClinVar's aggregate classification.
Comment: MYBPC3: PM2, PM5, PS4:Moderate

Clinical Genomics Laboratory, Stanford Medicine
Classification: Likely pathogenic for Hypertrophic cardiomyopathy 4. Last evaluated: 2022-07-20. Review status: criteria provided, single submitter. Criteria: ACMG Guidelines, 2015. Collection method: clinical testing. Allele origin: germline. Inheritance: Autosomal dominant inheritance. Observed: 1 variant allele, 1 heterozygote. Not counted in ClinVar's aggregate classification.
Comment: The p.Ser858Asn variant in the MYBPC3 gene has been previously reported in the heterozygous in at least 6 unrelated individuals with HCM and in the compound heterozygous state with another pathogenic variant (p.Arg502Trp) in an individual with childhood-onset HCM (PMID: 27532257; PMID: 18403758). This variant has also been identified in 2/124,800 European (non-Finnish) chromosomes by the Genome Aggregation Database. This variant is present in ClinVar (Accession: VCV000164070.37). This variant is located in the C6 domain of MYBPC3. Other pathogenic and likely pathogenic variants have been described in this domain and disrupt the function of MYBPC3 (PMID: 32841044). Computational tools predict that this variant is deleterious; however, the accuracy of in silico algorithms is limited. These data were assessed using the ACMG/AMP variant interpretation guidelines. In summary, there is sufficient evidence to classify the p.Ser858Asn variant as likely pathogenic for autosomal dominant HCM based on the information above. [ACMG evidence codes used: PS4_moderate; PM2; PM1_supporting; PP3]

GeneDx
Classification: Uncertain significance. Last evaluated: 2022-06-13. Review status: criteria provided, single submitter. Criteria: GeneDx Variant Classification Process June 2021. Collection method: clinical testing. Allele origin: germline. Affected: yes. Not counted in ClinVar's aggregate classification.
Comment: Reported in association with cardiomyopathy; however, at least one family harbored an additional pathogenic variant in the MYBPC3 gene (Morita et al., 2008; Saltzman et al., 2010; Ho et al., 2013; Walsh et al., 2017); Not observed at significant frequency in large population cohorts (gnomAD); In silico analysis supports that this missense variant has a deleterious effect on protein structure/function; This variant is associated with the following publications: (PMID: 23549607, 20378854, 18403758, 18761664, 27532257, 25228707, 31006259)

Laboratory for Molecular Medicine, Mass General Brigham Personalized Medicine
Classification: Likely pathogenic for Hypertrophic cardiomyopathy. Last evaluated: 2020-11-20. Review status: criteria provided, single submitter. Criteria: ACMG Guidelines, 2015. Collection method: clinical testing. Allele origin: germline. Inheritance: Autosomal dominant inheritance. Not counted in ClinVar's aggregate classification.
Comment: The p.Ser858Asn variant in MYPBC3 has been identified in at least 12 individuals with HCM and segregated with disease in 1 affected family member (Walsh 2017 PMID: 27532257, Ambry pers. comm., GeneDx pers. comm., Invitae pers. comm., LMM data). Additionally, it was identified in several individuals, some with earlier onset or more severe presentations, who carried additional pathogenic variants in other cardiomyopathy related genes (Ambry pers. Comm., Invitae pers. Comm., GeneDx pers. comm.). This variant has also been reported in ClinVar (Variation ID # 164070) and has been identified in 2/124800 of European chromosomes by gnomAD. Computational prediction tools and conservation analysis suggest that this variant may impact the protein. In summary, although additional studies are required to fully establish its clinical significance, this variant meets criteria to be classified as likely pathogenic for autosomal dominant HCM. ACMG/AMP criteria applied: PS4, PM2_Supporting, PP3.

ARUP Laboratories, Molecular Genetics and Genomics, ARUP Laboratories
Classification: Uncertain significance. Last evaluated: 2019-04-12. Review status: criteria provided, single submitter. Criteria: ARUP Molecular Germline Variant Investigation Process. Collection method: clinical testing. Allele origin: germline. Not counted in ClinVar's aggregate classification.
Comment: The c.2573G>A p.Ser858Asn variant (rs727503185) has been reported in at least 6 individuals with hypertrophic cardiomyopathy (Morita. 2008, and Walsh 2017). However, in at least one individual the p.Ser858Asn variant was identified with another pathogenic variant of MYBPC3 and family segregation data of the p.Ser858Asn variant was not readily available for any of the individuals. This variant is reported as a variant of uncertain significance by 5 laboratories in ClinVar (Variation ID: 164070). This variant is only observed on two alleles in the Genome Aggregation Database, indicating it is not a common polymorphism. The serine at codon 858 is highly conserved, and computational analyses (SIFT, PolyPhen-2) predict that this variant is deleterious. Due to limited information, the clinical significance of the p.Ser858Asn variant is uncertain at this time.

Stanford Center for Inherited Cardiovascular Disease, Stanford University
Classification: Uncertain significance. Last evaluated: 2014-11-20. Review status: criteria provided, single submitter. Criteria: ACMG Guidelines, 2015. Collection method: provider interpretation. Allele origin: germline. Not counted in ClinVar's aggregate classification.

Literature cited by the submitters: PubMed 20378854 (cited by 3 submitters); PubMed 27532257 (cited by 4 submitters); PubMed 31006259 (cited by Labcorp Genetics (formerly Invitae), Labcorp and Ambry Genetics); PubMed 18403758 (cited by 3 submitters); PubMed 18761664 (cited by Ambry Genetics and Laboratory for Molecular Medicine, Mass General Brigham Personalized Medicine); PubMed 23549607 (cited by Ambry Genetics and Laboratory for Molecular Medicine, Mass General Brigham Personalized Medicine); PubMed 25228707 (cited by Ambry Genetics and Laboratory for Molecular Medicine, Mass General Brigham Personalized Medicine); PubMed 25335496 (cited by Ambry Genetics); PubMed 28420666 (cited by Ambry Genetics and Laboratory for Molecular Medicine, Mass General Brigham Personalized Medicine); PubMed 34400558 (cited by Ambry Genetics); PubMed 32841044 (cited by Clinical Genomics Laboratory, Stanford Medicine).

NM_000256.3(MYBPC3):c.2573G>A (p.Ser858Asn)

Gene: MYBPC3 (myosin binding protein C3; minus strand). Cytogenetic location: 11p11.2.
Variant type: single nucleotide variant.
Coding change: c.2573G>A on transcript NM_000256.3 (MANE Select); coding-DNA position 2573, G replaced by A.
Protein change: p.Ser858Asn; replaces serine 858 with asparagine.
Molecular consequence: missense variant.
Genome position (GRCh38, 1-based): chr11:47,337,420, C>T on the plus strand (G>A on the coding strand, the complement: MYBPC3 is on the minus strand). VCF-style: chr11-47337420-C-T. GRCh37 (hg19) VCF-style: chr11-47358971-C-T.
Other names: p.S858N:AGC>AAC; short protein forms S858N.
Identifiers: ClinVar variation 164070 (VCV000164070.42), dbSNP rs727503185, ClinGen allele CA012667.
Genomic context (GRCh38, chr11:47,337,420, plus strand): 5'-CGGGGGGCAGGACCAGGCCAGGCAGGCTCACCGATAGGCATGAAGGGCTGGGAGGCAGGG[C>T]TGGGCCTGGACATGCCGATGGCGTTGACCGCGTAGACGCGCATCTCGTACACCACGCCCT-3'
Protein context (NP_000247.2, residues 848-868): AVNAIGMSRP[Ser858Asn]PASQPFMPIG